The following is an entry in ClinVar:

ClinVar aggregate classification (germline): Conflicting classifications of pathogenicity. Review status: criteria provided, conflicting classifications (1 of 4 stars). 4 submissions from 4 submitters: Uncertain significance (1); Benign (1); Likely benign (2). Last evaluated 2024-08-07.

Conditions:
Juvenile polyposis syndrome (JPS). Identifiers: Orphanet 2929, MedGen C0345893, MONDO:0017380, OMIM 174900.
Hereditary cancer-predisposing syndrome. Also called: Hereditary Cancer Syndrome; Hereditary neoplastic syndrome; Neoplastic Syndromes, Hereditary; Tumor predisposition. Identifiers: Orphanet 140162, MedGen C0027672, MeSH D009386, MONDO:0015356.

Submissions (4):

Myriad Genetics, Inc.
Classification: Benign for Juvenile polyposis syndrome. Last evaluated: 2024-08-07. Review status: criteria provided, single submitter. Criteria: Myriad Autosomal Dominant, Autosomal Recessive and X-Linked Classification Criteria (2023). Collection method: clinical testing. Allele origin: unknown.
Comment: This variant is considered benign. This variant is a silent/synonymous amino acid change and it is not expected to impact splicing.

Genetic Services Laboratory, University of Chicago
Classification: Uncertain significance. Last evaluated: 2022-01-10. Review status: criteria provided, single submitter. Criteria: ACMG Guidelines, 2015. Collection method: clinical testing. Allele origin: germline. Affected: no.

Labcorp Genetics (formerly Invitae), Labcorp
Classification: Likely benign for Juvenile polyposis syndrome. Last evaluated: 2021-11-19. Review status: criteria provided, single submitter. Criteria: Invitae Variant Classification Sherloc (09022015). Collection method: clinical testing. Allele origin: germline.

Ambry Genetics
Classification: Likely benign for Hereditary cancer-predisposing syndrome. Last evaluated: 2020-11-27. Review status: criteria provided, single submitter. Criteria: Ambry Variant Classification Scheme 2023. Collection method: clinical testing. Allele origin: germline.

NM_004329.3(BMPR1A):c.1347C>A (p.Ile449=)

Gene: BMPR1A (bone morphogenetic protein receptor type 1A; plus strand). Cytogenetic location: 10q23.2.
Variant type: single nucleotide variant.
Coding change: c.1347C>A on transcript NM_004329.3 (MANE Select); coding-DNA position 1347, C replaced by A.
Protein change: p.Ile449=; no amino-acid change (isoleucine 449 retained).
Molecular consequence: synonymous variant.
Genome position (GRCh38, 1-based): chr10:86,923,380, C>A. VCF-style: chr10-86923380-C-A. GRCh37 (hg19) VCF-style: chr10-88683137-C-A.
Identifiers: ClinVar variation 1338210 (VCV001338210.15), dbSNP rs1057520966, ClinGen allele CA470308519.